The following is an entry in ClinVar:

ClinVar aggregate classification (germline): Likely benign. Review status: criteria provided, multiple submitters, no conflicts (2 of 4 stars). 3 submissions from 3 submitters: Likely benign (3). Last evaluated 2026-03-30.

Conditions:
LZTFL1-related disorder. Also called: LZTFL1-related condition.

Allele frequency attached by ClinVar (database versions not stated): gnomAD exomes below 0.00001 and 0.00001; gnomAD 0.00001; TOPMed 0.00001.
gnomAD v4.1: 18 of 1,612,394 alleles (0.0011%); highest among the groups gnomAD compares: Non-Finnish European, 0.0014%; no homozygotes.

Submissions (3):

PreventionGenetics, part of Exact Sciences
Classification: Likely benign for LZTFL1-related condition. Last evaluated: 2026-03-30. Review status: criteria provided, single submitter. Criteria: ACMG Guidelines, 2015. Collection method: clinical testing. Allele origin: germline.
Comment: This variant is classified as likely benign based on ACMG/AMP sequence variant interpretation guidelines (Richards et al. 2015 PMID: 25741868, with internal and published modifications).

Labcorp Genetics (formerly Invitae), Labcorp
Classification: Likely benign. Last evaluated: 2025-12-23. Review status: criteria provided, single submitter. Criteria: Invitae Variant Classification Sherloc (09022015). Collection method: clinical testing. Allele origin: germline.

Blueprint Genetics
Classification: Likely benign. Last evaluated: 2024-07-08. Review status: criteria provided, single submitter. Criteria: ACMG Guidelines, 2015. Collection method: clinical testing. Allele origin: germline.

NM_020347.4(LZTFL1):c.48T>C (p.Asn16=)

Gene: LZTFL1 (leucine zipper transcription factor like 1; minus strand). Cytogenetic location: 3p21.31.
Variant type: single nucleotide variant.
Coding change: c.48T>C on transcript NM_020347.4 (MANE Select); coding-DNA position 48, T replaced by C.
Protein change: p.Asn16=; no amino-acid change (asparagine 16 retained).
Molecular consequence: synonymous variant. On other transcripts: 5 prime UTR variant (2), intron variant (1).
Genome position (GRCh38, 1-based): chr3:45,838,007, A>G on the plus strand (T>C on the coding strand, the complement: LZTFL1 is on the minus strand). VCF-style: chr3-45838007-A-G. GRCh37 (hg19) VCF-style: chr3-45879499-A-G.
Other names: c.48T>C (NM_020347.3); c.-4T>C (NM_001276378.2, NM_001386451.1); c.48T>C, p.Asn16= (NM_001386452.1); c.117-2223T>C (NM_001276379.2).
Identifiers: ClinVar variation 1141173 (VCV001141173.9), dbSNP rs1341263236, ClinGen allele CA433446110.